The following is an entry in ClinVar:

NM_213569.2(NEBL):c.164+46276C>T

Genes: C10orf113 (chromosome 10 open reading frame 113; minus strand), NEBL (nebulette; minus strand). Cytogenetic location: 10p12.31.
Variant type: single nucleotide variant.
Coding change: c.164+46276C>T on transcript NM_213569.2; 46276 bases into the intron after coding-DNA position 164, C replaced by T.
Molecular consequence: intron variant.
Genome position (GRCh38, 1-based): chr10:21,126,107, G>A on the plus strand (C>T on the coding strand, the complement: NEBL is on the minus strand). VCF-style: chr10-21126107-G-A. GRCh37 (hg19) VCF-style: chr10-21415036-G-A.
Other names: c.56+46276C>T (NM_001377326.1, NM_001377327.1, NM_001377328.1); c.164+46276C>T (NM_001173484.2, NM_001377322.1); c.107+46276C>T (NM_001377324.1); c.98+46276C>T (NM_001377325.1); c.116+46276C>T (NM_001377323.1).
Identifiers: ClinVar variation 3387894 (VCV003387894.14).

ClinVar aggregate classification (germline): Benign (1 of 4 stars; one submission).

gnomAD v4.1: 18,622 of 1,611,966 alleles (1.2%); highest among the groups gnomAD compares: Non-Finnish European, 1.4%; 148 homozygotes.

Submission:

CeGaT Center for Human Genetics Tuebingen
Classification: Benign. Last evaluated: 2024-10-01. Review status: criteria provided, single submitter. Criteria: CeGaT Center For Human Genetics Tuebingen Variant Classification Criteria Version 2. Collection method: clinical testing. Allele origin: germline. Affected: yes. Observed: 1 variant allele.
Comment: C10orf113: BP4, BS1, BS2